The following is an entry in ClinVar:

NM_053025.4(MYLK):c.1079G>A (p.Gly360Asp)

Gene: MYLK (myosin light chain kinase; minus strand). Cytogenetic location: 3q21.1.
Variant type: single nucleotide variant.
Coding change: c.1079G>A on transcript NM_053025.4 (MANE Select); coding-DNA position 1079, G replaced by A.
Protein change: p.Gly360Asp; replaces glycine 360 with aspartic acid.
Molecular consequence: missense variant.
Genome position (GRCh38, 1-based): chr3:123,733,917, C>T on the plus strand (G>A on the coding strand, the complement: MYLK is on the minus strand). VCF-style: chr3-123733917-C-T. GRCh37 (hg19) VCF-style: chr3-123452764-C-T.
Other names: p.Gly360Asp; c.551G>A, p.Gly184Asp (NM_001321309.2); c.1079G>A, p.Gly360Asp (NM_053026.4, NM_053027.4, NM_053028.4); short protein forms G184D, G360D.
Identifiers: ClinVar variation 3228894 (VCV003228894.2), dbSNP rs2474563966, ClinGen allele CA354239553.

ClinVar aggregate classification (germline): Uncertain significance. Review status: criteria provided, multiple submitters, no conflicts (2 of 4 stars). 2 submissions from 2 submitters: Uncertain significance (2). Last evaluated 2025-11-29.

Conditions:
Familial thoracic aortic aneurysm and aortic dissection (TAAD). Also called: Thoracic aortic aneurysms and dissections. Identifiers: Orphanet 91387, MedGen C4707243, MONDO:0019625.

Allele frequency attached by ClinVar (database versions not stated): gnomAD exomes below 0.00001.

Submissions (2):

Mayo Clinic Laboratories, Mayo Clinic
Classification: Uncertain significance. Last evaluated: 2025-11-29. Review status: criteria provided, single submitter. Criteria: ACMG Guidelines, 2015. Collection method: clinical testing. Allele origin: germline. Observed: 1 variant allele.
Comment: BP4_moderate, PM2_supporting

Ambry Genetics
Classification: Uncertain significance for Familial thoracic aortic aneurysm and aortic dissection. Last evaluated: 2024-02-25. Review status: criteria provided, single submitter. Criteria: Ambry Variant Classification Scheme 2023. Collection method: clinical testing. Allele origin: germline.
Comment: The p.G360D variant (also known as c.1079G>A), located in coding exon 7 of the MYLK gene, results from a G to A substitution at nucleotide position 1079. The glycine at codon 360 is replaced by aspartic acid, an amino acid with similar properties. This amino acid position is conserved. In addition, this alteration is predicted to be tolerated by in silico analysis. Based on the available evidence, the clinical significance of this alteration remains unclear.